The following is an entry in ClinVar:

NM_000784.4(CYP27A1):c.1126_1129del (p.Gln376fs)

Gene: CYP27A1 (cytochrome P450 family 27 subfamily A member 1; plus strand). Cytogenetic location: 2q35.
Variant type: Deletion.
Coding change: c.1126_1129del on transcript NM_000784.4 (MANE Select); coding-DNA positions 1126 to 1129, 4 bases deleted (CAGC; older notation c.1126_1129delCAGC).
Protein change: p.Gln376fs; shifts the reading frame from glutamine 376.
Molecular consequence: frameshift variant.
Genome position (GRCh38, 1-based): chr2:218,814,129-218,814,132, CAGC deleted; deleting any 4 consecutive bases within chr2:218,814,128-218,814,132 gives the same sequence; the c. name uses the placement nearest the transcript's 3' end. VCF-style (leftmost placement, unchanged base first): chr2-218814127-CCCAG-C. GRCh37 (hg19) VCF-style: chr2-219678850-CCCAG-C.
Other names: short protein forms Q376fs.
Identifiers: ClinVar variation 5012506 (VCV005012506.1).

ClinVar aggregate classification (germline): Pathogenic (1 of 4 stars; one submission).

Conditions:
Cholestanol storage disease (CTX). Also called: CEREBRAL CHOLESTERINOSIS; Cerebrotendinous Xanthomatosis; CTX: Cerebrotendinous xanthomatosis. Identifiers: Orphanet 909, MedGen C0238052, MONDO:0008948, OMIM 213700.

Submission:

Myriad Genetics, Inc.
Classification: Pathogenic for Cholestanol storage disease. Last evaluated: 2023-11-20. Review status: criteria provided, single submitter. Criteria: Myriad Autosomal Dominant, Autosomal Recessive and X-Linked Classification Criteria (2023). Collection method: clinical testing. Allele origin: unknown.
Comment: NM_000784.3(CYP27A1):c.1126_1129delCAGC(Q376Tfs*31) is expected to be pathogenic in the context of cerebrotendinous xanthomatosis. This variant is predicted to lead to an abnormal or absent protein product due to the creation of a premature termination codon in CYP27A1, a gene where loss-of-function variants are known to be pathogenic. Please note: this variant was assessed in the context of healthy population screening.